The following is an entry in ClinVar:

ClinVar aggregate classification (germline): Benign/Likely benign. Review status: criteria provided, multiple submitters, no conflicts (2 of 4 stars). 8 submissions from 8 submitters: Benign (4); Likely benign (3). 1 of the submissions does not count toward it. Last evaluated 2026-02-01.

Conditions:
Cardiovascular phenotype. Identifiers: MedGen CN230736.
Episodic pain syndrome, familial, 2 (FEPS2). Identifiers: Orphanet 306577, MedGen C3809893, MONDO:0014246, OMIM 615551.
SCN10A-related disorder. Also called: SCN10A-related condition.
Brugada syndrome. Also called: Sudden Unexplained Death Syndrome; Sudden Unexplained Nocturnal Death Syndrome (SUNDS); Sudden unexpected nocturnal death syndrome; Sudden unexplained nocturnal death syndrome. Identifiers: Orphanet 130, MedGen C1142166, MONDO:0015263.

Allele frequency attached by ClinVar (database versions not stated): gnomAD exomes 0.00029 and 0.00103; ExAC 0.00115; gnomAD 0.00349 and 0.00371; ESP Exome Variant Server 0.00354; TOPMed 0.00386; 1000 Genomes Project 0.00439; 1000 Genomes Project 30x 0.00531.
gnomAD v4.1: 971 of 1,609,618 alleles (0.06%); highest among the groups gnomAD compares: African/African-American, 1.1%; 6 homozygotes.

Submissions (8):

Labcorp Genetics (formerly Invitae), Labcorp
Classification: Benign for Brugada syndrome. Last evaluated: 2026-02-01. Review status: criteria provided, single submitter. Criteria: Invitae Variant Classification Sherloc (09022015). Collection method: clinical testing. Allele origin: germline.

Blueprint Genetics
Classification: Likely benign. Last evaluated: 2024-11-20. Review status: criteria provided, single submitter. Criteria: ACMG Guidelines, 2015. Collection method: clinical testing. Allele origin: germline.

Women's Health and Genetics/Laboratory Corporation of America, LabCorp
Classification: Likely benign. Last evaluated: 2024-05-26. Review status: criteria provided, single submitter. Criteria: LabCorp Variant Classification Summary - May 2015. Collection method: clinical testing. Allele origin: germline.

Fulgent Genetics
Classification: Likely benign for Episodic pain syndrome, familial, 2. Last evaluated: 2021-08-13. Review status: criteria provided, single submitter. Criteria: ACMG Guidelines, 2015. Collection method: clinical testing. Allele origin: unknown.

Mayo Clinic Laboratories, Mayo Clinic
Classification: Benign. Last evaluated: 2021-04-08. Review status: criteria provided, single submitter. Criteria: ACMG Guidelines, 2015. Collection method: clinical testing. Allele origin: germline. Observed: 4 variant alleles.

Ambry Genetics
Classification: Benign for Cardiovascular phenotype. Last evaluated: 2019-03-04. Review status: criteria provided, single submitter. Criteria: Ambry Variant Classification Scheme 2023. Collection method: clinical testing. Allele origin: germline.

GeneDx
Classification: Benign. Last evaluated: 2017-02-10. Review status: criteria provided, single submitter. Criteria: GeneDx Variant Classification (06012015). Collection method: clinical testing. Allele origin: germline. Affected: yes.
Comment: This variant is considered likely benign or benign based on one or more of the following criteria: it is a conservative change, it occurs at a poorly conserved position in the protein, it is predicted to be benign by multiple in silico algorithms, and/or has population frequency not consistent with disease.

PreventionGenetics, part of Exact Sciences
Classification: Benign for SCN10A-related condition. Last evaluated: 2019-10-24. Review status: no assertion criteria provided. Collection method: clinical testing. Allele origin: germline. Not counted in ClinVar's aggregate classification.
Comment: This variant is classified as benign based on ACMG/AMP sequence variant interpretation guidelines (Richards et al. 2015 PMID: 25741868, with internal and published modifications).

Literature cited by the submitters: PubMed 25691538 (cited by Ambry Genetics).

NM_006514.4(SCN10A):c.1768G>A (p.Gly590Arg)

Gene: SCN10A (sodium voltage-gated channel alpha subunit 10; minus strand). Cytogenetic location: 3p22.2.
Variant type: single nucleotide variant.
Coding change: c.1768G>A on transcript NM_006514.4 (MANE Select); coding-DNA position 1768, G replaced by A.
Protein change: p.Gly590Arg; replaces glycine 590 with arginine.
Molecular consequence: missense variant.
Genome position (GRCh38, 1-based): chr3:38,750,172, C>T on the plus strand (G>A on the coding strand, the complement: SCN10A is on the minus strand). VCF-style: chr3-38750172-C-T. GRCh37 (hg19) VCF-style: chr3-38791663-C-T.
Other names: p.Gly590Arg; c.1768G>A, p.Gly590Arg (NM_001293306.2); c.1474G>A, p.Gly492Arg (NM_001293307.2); short protein forms G590R, G492R.
Identifiers: ClinVar variation 463235 (VCV000463235.19), dbSNP rs35332705, ClinGen allele CA2320748.
Genomic context (GRCh38, chr3:38,750,172, plus strand): 5'-CCCTTTGGGCCCGGAAAGGTTCATCTAAGTATTCTGCTGACAAGAAAGTCTTCTTTTGTC[C>T]TGCATCGAATGCCTGTTGAGACACAAACAGAGTCAGGACGCTCCTTTAACCTGACATCTT-3'
Protein context (NP_006505.4, residues 580-600): GAVDVSAFDA[Gly590Arg]QKKTFLSAEY